The following is an entry in ClinVar:

ClinVar aggregate classification (germline): Pathogenic/Likely pathogenic. Review status: criteria provided, multiple submitters, no conflicts (2 of 4 stars). 10 submissions from 8 submitters: Pathogenic (5); Likely pathogenic (2). 3 of the submissions do not count toward it. Last evaluated 2026-01-26.

Conditions:
Zellweger spectrum disorders (ZS). Also called: Zellweger syndrome; Zellweger Spectrum Disorder; Zellweger Spectrum; Zellweger Spectrum Disorder (ZSD). Identifiers: Orphanet 912, MedGen C0043459, MONDO:0019609.
Peroxisome biogenesis disorder. Identifiers: Orphanet 79189, MedGen C1832200, MONDO:0019234. Disease mechanism: loss of function.
Peroxisome biogenesis disorder 1A (Zellweger) (PBD1A). Also called: Zellweger leukodystrophy; Peroxisome biogenesis disorder 1a. Identifiers: MedGen C4721541, MONDO:0008953, OMIM 214100.
PEX1-related disorder. Also called: PEX1-related condition.
Inborn genetic diseases. Identifiers: MedGen C0950123, MeSH D030342.
Heimler syndrome 1 (HMLR1). Also called: PEROXISOME BIOGENESIS DISORDER 1C. Identifiers: Orphanet 3220, MedGen C4551980, OMIM 234580, MONDO:0024544.
Peroxisome biogenesis disorder 1B (PBD1B). Also called: PEROXISOME BIOGENESIS DISORDER (NALD/IRD); ADRENOLEUKODYSTROPHY, AUTOSOMAL NEONATAL; Refsum disease, infantile form; Infantile Refsum disease; Infantile form of phytanic acid storage disease; PEROXISOME BIOGENESIS DISORDER (NEONATAL ADRENOLEUKODYSTROPHY/INFANTILE REFSUM DISEASE). Identifiers: Orphanet 44, MedGen C0282527, MONDO:0011101, OMIM 601539.

Allele frequency attached by ClinVar (database versions not stated): TOPMed 0.00001.
gnomAD v4.1: 25 of 1,613,700 alleles (0.0015%); highest among the groups gnomAD compares: Non-Finnish European, 0.0019%; no homozygotes.

Submissions (10):

Natera, Inc.
Classification: Pathogenic for Zellweger syndrome. Last evaluated: 2026-01-26. Review status: criteria provided, single submitter. Criteria: Natera Variant Classification Schema (03/2026). Collection method: clinical testing. Allele origin: germline.
Comment: The c.2992C>T variant in PEX1 is a nonsense variant predicted to introduce a stop codon at amino acid 998. This variant is expected to result in nonsense mediated decay, truncation, or a dysfunctional protein product. This variant is rare in the general population with a frequency below the threshold expected for the associated phenotype(s). This variant has been observed in one or more individuals affected with the associated recessive disease, as either homozygous or compound heterozygous with a second variant (PMID: 19105186). Given the available evidence, this variant is classified as Pathogenic.

Ambry Genetics
Classification: Pathogenic for Inborn genetic diseases. Last evaluated: 2025-03-14. Review status: criteria provided, single submitter. Criteria: Ambry Variant Classification Scheme 2023. Collection method: clinical testing. Allele origin: germline.
Comment: The c.2992C>T (p.R998*) alteration, located in exon 19 (coding exon 19) of the PEX1 gene, consists of a C to T substitution at nucleotide position 2992. This changes the amino acid from a arginine (R) to a stop codon at amino acid position 998. This alteration is expected to result in loss of function by premature protein truncation or nonsense-mediated mRNA decay. Based on data from gnomAD, the T allele has an overall frequency of 0.001% (2/250908) total alleles studied. The highest observed frequency was 0.002% (2/113350) of European (non-Finnish) alleles. This variant has been identified in the homozygous state and in conjunction with other PEX1 variant(s) in individual(s) with features consistent with PEX1-related peroxisome biogenesis spectrum disorder (Yik, 2009; external communication). Based on the available evidence, this alteration is classified as pathogenic.

Blueprint Genetics
Classification: Likely pathogenic for PEX1-related disorders. Last evaluated: 2024-09-25. Review status: criteria provided, single submitter. Criteria: ACMG Guidelines, 2015. Collection method: clinical testing. Allele origin: germline. Affected: yes. Observed: 2 variant alleles.

Labcorp Genetics (formerly Invitae), Labcorp
Classification: Pathogenic for Zellweger spectrum disorders. Last evaluated: 2024-05-02. Review status: criteria provided, single submitter. Criteria: Invitae Variant Classification Sherloc (09022015). Collection method: clinical testing. Allele origin: germline.
Comment: This sequence change creates a premature translational stop signal (p.Arg998*) in the PEX1 gene. It is expected to result in an absent or disrupted protein product. Loss-of-function variants in PEX1 are known to be pathogenic (PMID: 21031596, 26387595, 31831025). This variant is present in population databases (rs61750428, gnomAD 0.002%). This premature translational stop signal has been observed in individual(s) with PEX1-related conditions (PMID: 12402331, 19105186). ClinVar contains an entry for this variant (Variation ID: 495880). Algorithms developed to predict the effect of sequence changes on RNA splicing suggest that this variant may disrupt the consensus splice site. For these reasons, this variant has been classified as Pathogenic.

Baylor Genetics
Classification: Pathogenic for Heimler syndrome 1. Last evaluated: 2024-03-30. Review status: criteria provided, single submitter. Criteria: ACMG Guidelines, 2015. Collection method: clinical testing. Allele origin: unknown.

Revvity Omics, Revvity
Classification: Pathogenic. Last evaluated: 2023-08-16. Review status: criteria provided, single submitter. Criteria: ACMG Guidelines, 2015. Collection method: clinical testing. Allele origin: germline.

Women's Health and Genetics/Laboratory Corporation of America, LabCorp
Classification: Likely pathogenic for Peroxisome biogenesis disorder. Last evaluated: 2023-03-17. Review status: criteria provided, single submitter. Criteria: LabCorp Variant Classification Summary - May 2015. Collection method: clinical testing. Allele origin: germline.
Comment: Variant summary: PEX1 c.2992C>T (p.Arg998X) results in a premature termination codon, predicted to cause a truncation of the encoded protein or absence of the protein due to nonsense mediated decay, which are commonly known mechanisms for disease. Truncations downstream of this position have been classified as pathogenic by our laboratory. The variant allele was found at a frequency of 8e-06 in 250908 control chromosomes. c.2992C>T has been reported in the literature in individuals affected with Zellweger Syndrome (Yik_2009, Maxwell_2002). Three clinical diagnostic laboratories have submitted clinical-significance assessments for this variant to ClinVar after 2014 and classified the variant as pathogenic (n=2) and likely pathogenic (n=1). Based on the evidence outlined above, the variant was classified as likely pathogenic.

Counsyl
Classification: Likely pathogenic for Heimler syndrome 1. Last evaluated: 2015-09-11. Review status: no assertion criteria provided. Collection method: clinical testing. Allele origin: unknown. Not counted in ClinVar's aggregate classification.

Counsyl
Classification: Likely pathogenic for Peroxisome biogenesis disorder 1A (Zellweger). Last evaluated: 2015-09-11. Review status: no assertion criteria provided. Collection method: clinical testing. Allele origin: unknown. Not counted in ClinVar's aggregate classification.

Counsyl
Classification: Likely pathogenic for Peroxisome biogenesis disorder 1B. Last evaluated: 2015-09-11. Review status: no assertion criteria provided. Collection method: clinical testing. Allele origin: unknown. Not counted in ClinVar's aggregate classification.

Literature cited by the submitters: PubMed 19105186 (cited by 5 submitters); PubMed 12402331 (cited by 4 submitters); PubMed 21031596 (cited by Labcorp Genetics (formerly Invitae), Labcorp); PubMed 26387595 (cited by Labcorp Genetics (formerly Invitae), Labcorp); PubMed 31831025 (cited by Labcorp Genetics (formerly Invitae), Labcorp); PubMed 16141001 (cited by Women's Health and Genetics/Laboratory Corporation of America, LabCorp); PubMed 25525159 (cited by Counsyl).

NM_000466.3(PEX1):c.2992C>T (p.Arg998Ter)

Genes: GATAD1 (GATA zinc finger domain containing 1; plus strand), PEX1 (peroxisomal biogenesis factor 1; minus strand). Cytogenetic location: 7q21.2.
Variant type: single nucleotide variant.
Coding change: c.2992C>T on transcript NM_000466.3 (MANE Select); coding-DNA position 2992, C replaced by T.
Protein change: p.Arg998Ter; replaces arginine 998 with a stop codon.
Molecular consequence: nonsense.
Genome position (GRCh38, 1-based): chr7:92,494,331, G>A on the plus strand (C>T on the coding strand, the complement: PEX1 is on the minus strand). VCF-style: chr7-92494331-G-A. GRCh37 (hg19) VCF-style: chr7-92123645-G-A.
Other names: c.2821C>T, p.Arg941Ter (NM_001282677.2); c.2368C>T, p.Arg790Ter (NM_001282678.2); short protein forms R998*, R941*, R790*.
Identifiers: ClinVar variation 495880 (VCV000495880.21), dbSNP rs61750428, ClinGen allele CA4340941.
Genomic context (GRCh38, chr7:92,494,331, plus strand): 5'-ACTCTAAATATGAAATTGTCACCTGATCAGGAGGAGGACAGTATACACATTTATCTAGTC[G>A]ACCAGGCCTAAGCAGGGCAGGGTCAATCAAGTCAGGGCGACTAGTAGCAGCCAATACATA-3'